The following is an entry in ClinVar:

NM_001012339.3(DNAJC21):c.1143-31A>G

Gene: DNAJC21 (DnaJ heat shock protein family (Hsp40) member C21; plus strand). Cytogenetic location: 5p13.2.
Variant type: single nucleotide variant.
Coding change: c.1143-31A>G on transcript NM_001012339.3 (MANE Select); 31 bases into the intron before coding-DNA position 1143, A replaced by G.
Molecular consequence: intron variant. On other transcripts: missense variant (1).
Genome position (GRCh38, 1-based): chr5:34,945,730, A>G. VCF-style: chr5-34945730-A-G. GRCh37 (hg19) VCF-style: chr5-34945835-A-G.
Other names: c.1151A>G (NM_001348420.1); c.1151A>G, p.Tyr384Cys (NM_001348420.2); c.1143-31A>G (NM_194283.4); short protein forms Y384C.
Identifiers: ClinVar variation 2655394 (VCV002655394.25), dbSNP rs200506294, ClinGen allele CA3228725.

ClinVar aggregate classification (germline): Likely benign. Review status: criteria provided, single submitter (1 of 4 stars). 2 submissions from 2 submitters: Likely benign (1). 1 of the submissions does not count toward it. Last evaluated 2025-07-01.

Conditions:
DNAJC21-related disorder. Also called: DNAJC21-related condition.

Allele frequency attached by ClinVar (database versions not stated): 1000 Genomes Project 30x 0.00016; 1000 Genomes Project 0.00020; ExAC 0.00182; ESP Exome Variant Server 0.00200; gnomAD exomes 0.00326; gnomAD 0.00184; TOPMed 0.00195.
gnomAD v4.1: 4,902 of 1,564,500 alleles (0.31%); highest among the groups gnomAD compares: Non-Finnish European, 0.38%; 2 homozygotes.

Submissions (2):

CeGaT Center for Human Genetics Tuebingen
Classification: Likely benign. Last evaluated: 2025-07-01. Review status: criteria provided, single submitter. Criteria: CeGaT Center For Human Genetics Tuebingen Variant Classification Criteria Version 2. Collection method: clinical testing. Allele origin: germline. Affected: yes. Observed: 2 variant alleles.
Comment: DNAJC21: BP4, BP5, BS2

PreventionGenetics, part of Exact Sciences
Classification: Likely benign for DNAJC21-related condition. Last evaluated: 2022-04-24. Review status: no assertion criteria provided. Collection method: clinical testing. Allele origin: germline. Not counted in ClinVar's aggregate classification.
Comment: This variant is classified as likely benign based on ACMG/AMP sequence variant interpretation guidelines (Richards et al. 2015 PMID: 25741868, with internal and published modifications).